The following is an entry in ClinVar:

ClinVar aggregate classification (germline): Pathogenic. Review status: reviewed by expert panel (3 of 4 stars). 7 submissions from 7 submitters: Pathogenic (1). 6 of the submissions do not count toward it. Last evaluated 2016-09-08.

Conditions:
Hereditary cancer-predisposing syndrome. Also called: Hereditary Cancer Syndrome; Tumor predisposition; Neoplastic Syndromes, Hereditary; Hereditary neoplastic syndrome. Identifiers: Orphanet 140162, MedGen C0027672, MeSH D009386, MONDO:0015356.
Hereditary breast ovarian cancer syndrome. Also called: Breast and ovarian cancer; BRCA1- and BRCA2-Associated Hereditary Breast and Ovarian Cancer; Hereditary breast and ovarian cancer; Hereditary breast and ovarian cancer syndrome (HBOC); Hereditary breast and ovarian cancer syndrome; Hereditary breast and/or ovarian cancer syndrome. Identifiers: Orphanet 145, MedGen C0677776, MeSH D061325, MONDO:0003582. Disease mechanism: loss of function.
Breast-ovarian cancer, familial, susceptibility to, 2 (BROVCA2). Also called: BRCA2 Hereditary Breast and Ovarian Cancer. Identifiers: Orphanet 145, MedGen C2675520, MONDO:0012933, OMIM 612555. Disease mechanism: loss of function.

Submissions (7):

Evidence-based Network for the Interpretation of Germline Mutant Alleles (ENIGMA)
Classification: Pathogenic for Breast-ovarian cancer, familial, susceptibility to, 2. Last evaluated: 2016-09-08. Review status: reviewed by expert panel. Criteria: ENIGMA BRCA1/2 Classification Criteria (2015). Collection method: curation. Allele origin: germline.
Comment: Variant allele predicted to encode a truncated non-functional protein.

Quest Diagnostics Nichols Institute San Juan Capistrano
Classification: Pathogenic. Last evaluated: 2024-11-20. Review status: criteria provided, single submitter. Criteria: Quest Diagnostics criteria. Collection method: clinical testing. Allele origin: unknown. Not counted in ClinVar's aggregate classification.
Comment: The BRCA2 c.3682_3685del (p.Asn1228Phefs*10) variant alters the translational reading frame of the BRCA2 mRNA and causes the premature termination of BRCA2 protein synthesis. This variant has been reported in the published literature in a cohort of individuals suspected of having a hereditary cancer predisposition syndrome (PMID: 36290365 (2022)) and in an individual recruited to the Consortium of Investigators of Modifiers of BRCA1/2 (CIMBA) study (PMID: 29446198 (2018)). This variant has not been reported in large, multi-ethnic general populations (Genome Aggregation Database). Based on the available information, this variant is classified as pathogenic.

CeGaT Center for Human Genetics Tuebingen
Classification: Pathogenic. Last evaluated: 2024-11-01. Review status: criteria provided, single submitter. Criteria: CeGaT Center For Human Genetics Tuebingen Variant Classification Criteria Version 2. Collection method: clinical testing. Allele origin: germline. Affected: yes. Observed: 1 variant allele. Not counted in ClinVar's aggregate classification.
Comment: BRCA2: PVS1, PM2, PS4:Moderate

Labcorp Genetics (formerly Invitae), Labcorp
Classification: Pathogenic for Hereditary breast ovarian cancer syndrome. Last evaluated: 2024-02-24. Review status: criteria provided, single submitter. Criteria: Invitae Variant Classification Sherloc (09022015). Collection method: clinical testing. Allele origin: germline. Not counted in ClinVar's aggregate classification.
Comment: This sequence change creates a premature translational stop signal (p.Asn1228Phefs*10) in the BRCA2 gene. It is expected to result in an absent or disrupted protein product. Loss-of-function variants in BRCA2 are known to be pathogenic (PMID: 20104584). This variant is not present in population databases (gnomAD no frequency). This premature translational stop signal has been observed in individual(s) with hereditary breast and ovarian cancer (PMID: 29446198). ClinVar contains an entry for this variant (Variation ID: 51505). For these reasons, this variant has been classified as Pathogenic.

Ambry Genetics
Classification: Pathogenic for Hereditary cancer-predisposing syndrome. Last evaluated: 2019-03-28. Review status: criteria provided, single submitter. Criteria: Ambry Variant Classification Scheme 2023. Collection method: clinical testing. Allele origin: germline. Not counted in ClinVar's aggregate classification.
Comment: The c.3682_3685delAATG pathogenic mutation, located in coding exon 10 of the BRCA2 gene, results from a deletion of 4 nucleotides at nucleotide positions 3682 to 3685, causing a translational frameshift with a predicted alternate stop codon (p.N1228Ffs*10). This alteration was identified in one Russian family in a large, worldwide study of BRCA1/2 mutation positive families (Rebbeck TR et al. Hum. Mutat., 2018 05;39:593-620). In addition to the clinical data presented in the literature, this alteration is expected to result in loss of function by premature protein truncation or nonsense-mediated mRNA decay. As such, this alteration is interpreted as a disease-causing mutation.

Consortium of Investigators of Modifiers of BRCA1/2 (CIMBA), c/o University of Cambridge
Classification: Pathogenic for Breast-ovarian cancer, familial, susceptibility to, 2. Last evaluated: 2015-10-02. Review status: criteria provided, single submitter. Criteria: CIMBA Mutation Classification guidelines May 2016. Collection method: clinical testing. Allele origin: germline. Not counted in ClinVar's aggregate classification.

Breast Cancer Information Core (BIC) (BRCA2)
Classification: Pathogenic for Breast-ovarian cancer, familial 2. Last evaluated: 2003-12-23. Review status: no assertion criteria provided. Collection method: clinical testing. Allele origin: germline. Affected: yes. Observed: 1 variant allele. Not counted in ClinVar's aggregate classification.

Literature cited by the submitters: PubMed 29446198 (cited by 3 submitters); PubMed 36290365 (cited by Quest Diagnostics Nichols Institute San Juan Capistrano); PubMed 20104584 (cited by Labcorp Genetics (formerly Invitae), Labcorp).

NM_000059.4(BRCA2):c.3682_3685del (p.Asn1228fs)

Gene: BRCA2 (BRCA2 DNA repair associated; plus strand). Cytogenetic location: 13q13.1.
Variant type: Deletion.
Coding change: c.3682_3685del on transcript NM_000059.4 (MANE Select); coding-DNA positions 3682 to 3685, 4 bases deleted (AATG; older notation c.3682_3685delAATG).
Protein change: p.Asn1228fs; shifts the reading frame from asparagine 1228.
Molecular consequence: frameshift variant.
Genome position (GRCh38, 1-based): chr13:32,338,037-32,338,040, AATG deleted; deleting any 4 consecutive bases within chr13:32,338,035-32,338,040 gives the same sequence; the c. name uses the placement nearest the transcript's 3' end. VCF-style (leftmost placement, unchanged base first): chr13-32338034-CTGAA-C. GRCh37 (hg19) VCF-style: chr13-32912171-CTGAA-C.
Other names: 3910del4; c.3682_3685delAATG (NM_000059.3).
Identifiers: ClinVar variation 51505 (VCV000051505.31), dbSNP rs80359396, ClinGen allele CA018554.